The following is an entry in ClinVar:

ClinVar aggregate classification (germline): Likely benign (1 of 4 stars; one submission).

Allele frequency attached by ClinVar (database versions not stated): ExAC 0.00187; ESP Exome Variant Server 0.00215; gnomAD 0.00235; TOPMed 0.00240; 1000 Genomes Project 0.00260; 1000 Genomes Project 30x 0.00281; gnomAD exomes 0.00290.
gnomAD v4.1: 4,623 of 1,611,908 alleles (0.29%); highest among the groups gnomAD compares: Admixed American, 0.37%; 12 homozygotes.

Submission:

CeGaT Center for Human Genetics Tuebingen
Classification: Likely benign. Last evaluated: 2022-09-01. Review status: criteria provided, single submitter. Criteria: CeGaT Center For Human Genetics Tuebingen Variant Classification Criteria Version 2. Collection method: clinical testing. Allele origin: germline. Affected: yes. Observed: 1 variant allele.
Comment: CEP192: BP4, BS2

NM_032142.4(CEP192):c.7473G>A (p.Leu2491=)

Gene: CEP192 (centrosomal protein 192; plus strand). Cytogenetic location: 18p11.21.
Variant type: single nucleotide variant.
Coding change: c.7473G>A on transcript NM_032142.4 (MANE Select); coding-DNA position 7473, G replaced by A.
Protein change: p.Leu2491=; no amino-acid change (leucine 2491 retained).
Molecular consequence: synonymous variant.
Genome position (GRCh38, 1-based): chr18:13,117,641, G>A. VCF-style: chr18-13117641-G-A. GRCh37 (hg19) VCF-style: chr18-13117640-G-A.
Identifiers: ClinVar variation 2648605 (VCV002648605.24), dbSNP rs145843566, ClinGen allele CA8901115.